The following is an entry in ClinVar:

ClinVar aggregate classification (germline): Benign/Likely benign. Review status: criteria provided, multiple submitters, no conflicts (2 of 4 stars). 17 submissions from 16 submitters: Benign (10); Likely benign (7). Last evaluated 2026-09-01.

Conditions:
Left ventricular noncompaction 10 (LVNC10). Identifiers: Orphanet 154, Orphanet 54260, MedGen C3715165, MONDO:0014163, OMIM 615396.
Cardiovascular phenotype. Identifiers: MedGen CN230736.
Cardiomyopathy (CMYO). Also called: Cardiomyopathies. Identifiers: Orphanet 167848, MedGen C0878544, MONDO:0004994, HP:0001638. Inheritance: Various modes of inheritance.
Hypertrophic cardiomyopathy 4. Also called: Familial hypertrophic cardiomyopathy 4. Identifiers: MedGen C1861862, MONDO:0007268, OMIM 115197.
Hypertrophic cardiomyopathy. Also called: HYPERTROPHIC MYOCARDIOPATHY. Identifiers: Orphanet 217569, MedGen C0007194, MeSH D002312, MONDO:0005045, HP:0001639.

Allele frequency attached by ClinVar (database versions not stated): gnomAD exomes 0.00029 and 0.00102; 1000 Genomes Project 0.00160; ESP Exome Variant Server 0.00008; gnomAD 0.00043 and 0.00049; ExAC 0.00081; TOPMed 0.00090; 1000 Genomes Project 30x 0.00250.
gnomAD v4.1: 500 of 1,613,896 alleles (0.031%); highest among the groups gnomAD compares: Admixed American, 0.74%; 8 homozygotes.

Submissions (17):

CeGaT Center for Human Genetics Tuebingen
Classification: Likely benign. Last evaluated: 2026-09-01. Review status: criteria provided, single submitter. Criteria: CeGaT Center For Human Genetics Tuebingen Variant Classification Criteria Version 2. Collection method: clinical testing. Allele origin: germline. Affected: yes. Observed: 16 variant alleles.
Comment: MYBPC3: BP4, BP7

Labcorp Genetics (formerly Invitae), Labcorp
Classification: Benign for Hypertrophic cardiomyopathy. Last evaluated: 2026-02-03. Review status: criteria provided, single submitter. Criteria: Invitae Variant Classification Sherloc (09022015). Collection method: clinical testing. Allele origin: germline.

ARUP Laboratories, Molecular Genetics and Genomics, ARUP Laboratories
Classification: Benign. Last evaluated: 2025-07-17. Review status: criteria provided, single submitter. Criteria: ARUP Molecular Germline Variant Investigation Process 2024. Collection method: clinical testing. Allele origin: germline.

Molecular Diagnostic Laboratory for Inherited Cardiovascular Disease, Montreal Heart Institute
Classification: Benign. Last evaluated: 2025-04-09. Review status: criteria provided, single submitter. Criteria: ACMG Guidelines, 2015. Collection method: clinical testing. Allele origin: germline. Affected: no.

Blueprint Genetics
Classification: Likely benign. Last evaluated: 2024-11-25. Review status: criteria provided, single submitter. Criteria: ACMG Guidelines, 2015. Collection method: clinical testing. Allele origin: germline.

All of Us Research Program, National Institutes of Health
Classification: Benign for Hypertrophic cardiomyopathy. Last evaluated: 2024-02-05. Review status: criteria provided, single submitter. Criteria: ACMG Guidelines, 2015. Collection method: clinical testing. Allele origin: germline. Inheritance: Autosomal dominant inheritance. Observed: 173 variant alleles, 172 heterozygotes, 1 homozygote.
Comment: This study involves interpretation of variants in research participants for the purpose of population health screening. Participant phenotype was not available at the time of variant classification. Additional details can be found in publication PMID: 35346344, PMCID: PMC8962531

Mayo Clinic Laboratories, Mayo Clinic
Classification: Benign. Last evaluated: 2023-12-27. Review status: criteria provided, single submitter. Criteria: ACMG Guidelines, 2015. Collection method: clinical testing. Allele origin: germline. Observed: 5 variant alleles.
Comment: BS1, BS2, BP4, BP7

CHEO Genetics Diagnostic Laboratory, Children's Hospital of Eastern Ontario
Classification: Benign for Cardiomyopathy. Last evaluated: 2022-07-07. Review status: criteria provided, single submitter. Criteria: ACMG Guidelines, 2015. Collection method: clinical testing. Allele origin: germline. Study: Canadian Open Genetics Repository.

Women's Health and Genetics/Laboratory Corporation of America, LabCorp
Classification: Benign. Last evaluated: 2022-02-05. Review status: criteria provided, single submitter. Criteria: LabCorp Variant Classification Summary - May 2015. Collection method: clinical testing. Allele origin: germline.

Color Diagnostics, LLC DBA Color Health
Classification: Benign for Cardiomyopathy. Last evaluated: 2018-10-02. Review status: criteria provided, single submitter. Criteria: ACMG Guidelines, 2015. Collection method: clinical testing. Allele origin: germline.

Illumina Laboratory Services, Illumina
Classification: Likely benign for Hypertrophic cardiomyopathy 4. Last evaluated: 2018-01-13. Review status: criteria provided, single submitter. Criteria: ICSL Variant Classification Criteria 13 December 2019. Collection method: clinical testing. Allele origin: germline.
Comment: This variant was observed in the ICSL laboratory as part of a predisposition screen in an ostensibly healthy population. It had not been previously curated by ICSL or reported in the Human Gene Mutation Database (HGMD: prior to June 1st, 2018), and was therefore a candidate for classification through an automated scoring system. Utilizing variant allele frequency, disease prevalence and penetrance estimates, and inheritance mode, an automated score was calculated to assess if this variant is too frequent to cause the disease. Based on the score and internal cut-off values, a variant classified as likely benign is not then subjected to further curation. The score for this variant resulted in a classification of likely benign for this disease.

Illumina Laboratory Services, Illumina
Classification: Benign for Left ventricular noncompaction 10. Last evaluated: 2018-01-13. Review status: criteria provided, single submitter. Criteria: ICSL Variant Classification Criteria 13 December 2019. Collection method: clinical testing. Allele origin: germline.
Comment: This variant was observed in the ICSL laboratory as part of a predisposition screen in an ostensibly healthy population. It had not been previously curated by ICSL or reported in the Human Gene Mutation Database (HGMD: prior to June 1st, 2018), and was therefore a candidate for classification through an automated scoring system. Utilizing variant allele frequency, disease prevalence and penetrance estimates, and inheritance mode, an automated score was calculated to assess if this variant is too frequent to cause the disease. Based on the score and internal cut-off values, a variant classified as benign is not then subjected to further curation. The score for this variant resulted in a classification of benign for this disease.

Ambry Genetics
Classification: Likely benign for Cardiovascular phenotype. Last evaluated: 2016-03-31. Review status: criteria provided, single submitter. Criteria: Ambry Variant Classification Scheme 2023. Collection method: clinical testing. Allele origin: germline.

Laboratory for Molecular Medicine, Mass General Brigham Personalized Medicine
Classification: Likely benign. Last evaluated: 2015-11-06. Review status: criteria provided, single submitter. Criteria: LMM Criteria. Collection method: clinical testing. Allele origin: germline. Observed: 8 variant alleles.
Comment: proposed classification - variant undergoing re-assessment, contact laboratory

GeneDx
Classification: Benign. Last evaluated: 2015-03-31. Review status: criteria provided, single submitter. Criteria: GeneDx Variant Classification (06012015). Collection method: clinical testing. Allele origin: germline. Affected: yes.
Comment: This variant is considered likely benign or benign based on one or more of the following criteria: it is a conservative change, it occurs at a poorly conserved position in the protein, it is predicted to be benign by multiple in silico algorithms, and/or has population frequency not consistent with disease.

Breakthrough Genomics
Classification: Likely benign. Review status: criteria provided, single submitter. Criteria: ACMG Guidelines, 2015. Collection method: not provided. Allele origin: germline. Inheritance: Autosomal dominant inheritance. Affected: yes.

PreventionGenetics, part of Exact Sciences
Classification: Likely benign. Review status: criteria provided, single submitter. Criteria: ACMG Guidelines, 2015. Collection method: clinical testing. Allele origin: germline.

NM_000256.3(MYBPC3):c.3699G>A (p.Gln1233=)

Gene: MYBPC3 (myosin binding protein C3; minus strand). Cytogenetic location: 11p11.2.
Variant type: single nucleotide variant.
Coding change: c.3699G>A on transcript NM_000256.3 (MANE Select); coding-DNA position 3699, G replaced by A.
Protein change: p.Gln1233=; no amino-acid change (glutamine 1233 retained).
Molecular consequence: synonymous variant.
Genome position (GRCh38, 1-based): chr11:47,332,187, C>T on the plus strand (G>A on the coding strand, the complement: MYBPC3 is on the minus strand). VCF-style: chr11-47332187-C-T. GRCh37 (hg19) VCF-style: chr11-47353738-C-T.
Other names: p.Gln1233=.
Identifiers: ClinVar variation 42736 (VCV000042736.58), dbSNP rs200162906, ClinGen allele CA014658.